The following is an entry in ClinVar:

NM_001042492.3(NF1):c.3394del (p.Arg1132fs)

Gene: NF1 (neurofibromin 1; plus strand). Cytogenetic location: 17q11.2.
Variant type: Deletion.
Coding change: c.3394del on transcript NM_001042492.3 (MANE Select); coding-DNA position 3394, one base deleted (C; older notation c.3394delC).
Protein change: p.Arg1132fs; shifts the reading frame from arginine 1132.
Molecular consequence: frameshift variant.
Genome position (GRCh38, 1-based): chr17:31,232,779, C deleted. VCF-style (leftmost placement, unchanged base first): chr17-31232778-AC-A. GRCh37 (hg19) VCF-style: chr17-29559796-AC-A.
Other names: c.3394delC, p.Arg1132Valfs (NM_000267.4); short protein forms R1132fs.
Identifiers: ClinVar variation 1804127 (VCV001804127.1), dbSNP rs2508231723, ClinGen allele CA2497029992.
Genomic context (GRCh38, chr17:31,232,778, plus strand): 5'-GAACCTTTTGAATGACTGCAGTGAAGTTGAAGATGAAAGTGCGCAAACAGGTGGCAGGAA[AC>A]GTGGCATGTCTCGGAGGCTGGCATCACTGAGGCACTGTACGGTCCTTGCAATGTCAAACT-3'

ClinVar aggregate classification (germline): Likely pathogenic (1 of 4 stars; one submission).

Conditions:
Neurofibromatosis, type 1 (NF1). Also called: NEUROFIBROMATOSIS, TYPE I, SOMATIC; Peripheral type neurofibromatosis; VON RECKLINGHAUSEN DISEASE; Neurofibromatosis, type I. Identifiers: Orphanet 636, MedGen C0027831, MONDO:0018975, OMIM 162200. Disease mechanism: loss of function.

Submission:

Institute of Human Genetics, University of Leipzig Medical Center
Classification: Likely pathogenic for Neurofibromatosis, type 1. Last evaluated: 2022-11-17. Review status: criteria provided, single submitter. Criteria: ACMG Guidelines, 2015. Collection method: clinical testing. Allele origin: unknown. Affected: yes.
Comment: _x000D_ Criteria applied: PVS1, PM2_SUP